The following is an entry in ClinVar:

ClinVar aggregate classification (germline): Benign. Review status: criteria provided, multiple submitters, no conflicts (2 of 4 stars). 6 submissions from 6 submitters: Benign (6). Last evaluated 2026-02-03.

Conditions:
Age related macular degeneration 1 (ARMD1). Also called: MACULOPATHY, AGE-RELATED, 1. Identifiers: MedGen C1864205, MONDO:0011285, OMIM 603075.

Allele frequency attached by ClinVar (database versions not stated): 1000 Genomes Project 30x 0.59275; gnomAD 0.56453 and 0.56346; TOPMed 0.57838; ESP Exome Variant Server 0.55497; 1000 Genomes Project 0.58267; ExAC 0.54528; gnomAD exomes 0.55060.
gnomAD v4.1: 831,610 of 1,612,182 alleles (52%); highest among the groups gnomAD compares: African/African-American, 67%; 217,202 homozygotes.

Submissions (6):

Labcorp Genetics (formerly Invitae), Labcorp
Classification: Benign. Last evaluated: 2026-02-03. Review status: criteria provided, single submitter. Criteria: Invitae Variant Classification Sherloc (09022015). Collection method: clinical testing. Allele origin: germline.

Genome-Nilou Lab
Classification: Benign for Age related macular degeneration 1. Last evaluated: 2023-04-11. Review status: criteria provided, single submitter. Criteria: ACMG Guidelines, 2015. Collection method: clinical testing. Allele origin: germline. Affected: no.

Mendelics
Classification: Benign for Age related macular degeneration 1. Last evaluated: 2019-05-28. Review status: criteria provided, single submitter. Criteria: Mendelics Assertion Criteria 2017. Collection method: clinical testing. Allele origin: unknown.

Illumina Laboratory Services, Illumina
Classification: Benign for Age related macular degeneration 1. Last evaluated: 2018-01-13. Review status: criteria provided, single submitter. Criteria: ICSL Variant Classification Criteria 13 December 2019. Collection method: clinical testing. Allele origin: germline.
Comment: This variant was observed in the ICSL laboratory as part of a predisposition screen in an ostensibly healthy population. It had not been previously curated by ICSL or reported in the Human Gene Mutation Database (HGMD: prior to June 1st, 2018), and was therefore a candidate for classification through an automated scoring system. Utilizing variant allele frequency, disease prevalence and penetrance estimates, and inheritance mode, an automated score was calculated to assess if this variant is too frequent to cause the disease. Based on the score and internal cut-off values, a variant classified as benign is not then subjected to further curation. The score for this variant resulted in a classification of benign for this disease.

Eurofins Ntd Llc (ga)
Classification: Benign. Last evaluated: 2013-10-02. Review status: criteria provided, single submitter. Criteria: EGL Classification Definitions 2015. Collection method: clinical testing. Allele origin: germline. Observed: 1 variant allele, 1 homozygote.

Breakthrough Genomics
Classification: Benign. Review status: criteria provided, single submitter. Criteria: ACMG Guidelines, 2015. Collection method: not provided. Allele origin: germline. Inheritance: Autosomal dominant inheritance. Affected: yes.

NM_031935.3(HMCN1):c.8678A>G (p.Glu2893Gly)

Gene: HMCN1 (hemicentin 1; plus strand). Cytogenetic location: 1q31.1.
Variant type: single nucleotide variant.
Coding change: c.8678A>G on transcript NM_031935.3 (MANE Select); coding-DNA position 8678, A replaced by G.
Protein change: p.Glu2893Gly; replaces glutamic acid 2893 with glycine.
Molecular consequence: missense variant.
Genome position (GRCh38, 1-based): chr1:186,081,285, A>G. VCF-style: chr1-186081285-A-G. GRCh37 (hg19) VCF-style: chr1-186050417-A-G.
Other names: short protein forms E2893G.
Identifiers: ClinVar variation 96208 (VCV000096208.20), dbSNP rs10798035, ClinGen allele CA149362.